The following is an entry in ClinVar:

NM_005219.5(DIAPH1):c.459G>T (p.Arg153Ser)

Gene: DIAPH1 (diaphanous related formin 1; minus strand). Cytogenetic location: 5q31.3.
Variant type: single nucleotide variant.
Coding change: c.459G>T on transcript NM_005219.5 (MANE Select); coding-DNA position 459, G replaced by T.
Protein change: p.Arg153Ser; replaces arginine 153 with serine.
Molecular consequence: missense variant.
Genome position (GRCh38, 1-based): chr5:141,583,559, C>A on the plus strand (G>T on the coding strand, the complement: DIAPH1 is on the minus strand). VCF-style: chr5-141583559-C-A. GRCh37 (hg19) VCF-style: chr5-140963126-C-A.
Other names: c.432G>T, p.Arg144Ser (NM_001079812.3); c.459G>T, p.Arg153Ser (NM_001314007.2); c.459G>T (NM_005219.4); short protein forms R153S, R144S.
Identifiers: ClinVar variation 1493802 (VCV001493802.9), dbSNP rs748655447, ClinGen allele CA3479594.
Genomic context (GRCh38, chr5:141,583,559, plus strand): 5'-GTTGAGAGACACACGAAGGGACTCCAGGCAGCTGAGCAGAGGCATATCCCGCAAGCCTGA[C>A]CTCAACTCCTGAATATACATCATGGCAGACTTAGAGCTCTCCTTCTGGCTCATGCCCTAG-3'
Protein context (NP_005210.3, residues 143-163): KSAMMYIQEL[Arg153Ser]SGLRDMPLLS

ClinVar aggregate classification (germline): Uncertain significance. Review status: criteria provided, multiple submitters, no conflicts (2 of 4 stars). 2 submissions from 2 submitters: Uncertain significance (2). Last evaluated 2025-08-11.

Conditions:
Autosomal dominant nonsyndromic hearing loss 1. Also called: DEAFNESS, AUTOSOMAL DOMINANT 1, WITH OR WITHOUT THROMBOCYTOPENIA; KONIGSMARK SYNDROME. Identifiers: Orphanet 90635, MedGen C1852282, MONDO:0007424, OMIM 124900.
Progressive microcephaly-seizures-cortical blindness-developmental delay syndrome. Also called: Seizures, cortical blindness, and microcephaly syndrome. Identifiers: Orphanet 477814, MedGen C5567650, MONDO:0014714, OMIM 616632.
Inborn genetic diseases. Identifiers: MedGen C0950123, MeSH D030342.

Submissions (2):

Ambry Genetics
Classification: Uncertain significance for Inborn genetic diseases. Last evaluated: 2025-08-11. Review status: criteria provided, single submitter. Criteria: Ambry Variant Classification Scheme 2023. Collection method: clinical testing. Allele origin: germline.

Labcorp Genetics (formerly Invitae), Labcorp
Classification: Uncertain significance for Progressive microcephaly-seizures-cortical blindness-developmental delay syndrome; Autosomal dominant nonsyndromic hearing loss 1. Last evaluated: 2022-02-10. Review status: criteria provided, single submitter. Criteria: Invitae Variant Classification Sherloc (09022015). Collection method: clinical testing. Allele origin: germline.
Comment: In summary, the available evidence is currently insufficient to determine the role of this variant in disease. Therefore, it has been classified as a Variant of Uncertain Significance. Algorithms developed to predict the effect of missense changes on protein structure and function are either unavailable or do not agree on the potential impact of this missense change (SIFT: "Deleterious"; PolyPhen-2: "Not Available"; Align-GVGD: "Class C0"). This variant has not been reported in the literature in individuals affected with DIAPH1-related conditions. This variant is present in population databases (rs748655447, gnomAD 0.0009%). This sequence change replaces arginine, which is basic and polar, with serine, which is neutral and polar, at codon 153 of the DIAPH1 protein (p.Arg153Ser).